The following is an entry in ClinVar:

ClinVar aggregate classification (germline): Conflicting classifications of pathogenicity. Review status: criteria provided, conflicting classifications (1 of 4 stars). 3 submissions from 3 submitters: Uncertain significance (1); Likely benign (2). Last evaluated 2025-12-08.

Conditions:
Inborn genetic diseases. Identifiers: MedGen C0950123, MeSH D030342.

Allele frequency attached by ClinVar (database versions not stated): 1000 Genomes Project 30x 0.00016; gnomAD exomes 0.00012; ExAC 0.00018; gnomAD 0.00062 and 0.00068; ESP Exome Variant Server 0.00085; 1000 Genomes Project 0.00020; TOPMed 0.00061.
gnomAD v4.1: 179 of 1,614,044 alleles (0.011%); highest among the groups gnomAD compares: African/African-American, 0.22%; no homozygotes.

Submissions (3):

Labcorp Genetics (formerly Invitae), Labcorp
Classification: Likely benign. Last evaluated: 2025-12-08. Review status: criteria provided, single submitter. Criteria: Invitae Variant Classification Sherloc (09022015). Collection method: clinical testing. Allele origin: germline.

GeneDx
Classification: Uncertain significance. Last evaluated: 2024-10-23. Review status: criteria provided, single submitter. Criteria: GeneDx Variant Classification Process June 2021. Collection method: clinical testing. Allele origin: germline. Affected: yes.
Comment: In silico analysis supports that this missense variant has a deleterious effect on protein structure/function; Has not been previously published as pathogenic or benign to our knowledge

Ambry Genetics
Classification: Likely benign for Inborn genetic diseases. Last evaluated: 2023-02-10. Review status: criteria provided, single submitter. Criteria: Ambry Variant Classification Scheme 2023. Collection method: clinical testing. Allele origin: germline.

NM_032620.4(GTPBP3):c.484G>A (p.Ala162Thr)

Gene: GTPBP3 (GTP binding protein 3, mitochondrial; plus strand). Cytogenetic location: 19p13.11.
Variant type: single nucleotide variant.
Coding change: c.484G>A on transcript NM_032620.4 (MANE Select); coding-DNA position 484, G replaced by A.
Protein change: p.Ala162Thr; replaces alanine 162 with threonine.
Molecular consequence: missense variant.
Genome position (GRCh38, 1-based): chr19:17,338,634, G>A. VCF-style: chr19-17338634-G-A. GRCh37 (hg19) VCF-style: chr19-17449443-G-A.
Other names: c.484G>A, p.Ala162Thr (NM_001128855.3, NM_133644.4); c.550G>A, p.Ala184Thr (NM_001195422.1); short protein forms A162T, A184T.
Identifiers: ClinVar variation 798221 (VCV000798221.12), dbSNP rs146343760, ClinGen allele CA9293369.